The following is an entry in ClinVar:

NM_001099857.5(IKBKG):c.1056-17G>A

Gene: IKBKG (inhibitor of nuclear factor kappa B kinase regulatory subunit gamma; plus strand). Cytogenetic location: Xq28.
Variant type: single nucleotide variant.
Coding change: c.1056-17G>A on transcript NM_001099857.5 (MANE Select); 17 bases into the intron before coding-DNA position 1056, G replaced by A.
Molecular consequence: intron variant.
Genome position (GRCh38, 1-based): chrX:154,563,942, G>A. VCF-style: chrX-154563942-G-A. GRCh37 (hg19) VCF-style: chrX-153792157-G-A.
Other names: c.1056-17G>A (NM_001377312.1, NM_001321396.3, NM_003639.4); c.1053-17G>A (NM_001377313.1, NM_001321397.3); c.1260-17G>A (NM_001099856.6); c.759-17G>A (NM_001145255.4); c.900-17G>A (NM_001377314.1); c.687-17G>A (NM_001377315.1).
Identifiers: ClinVar variation 667603 (VCV000667603.1), dbSNP rs1557236751, ClinGen allele CA645291699.

ClinVar aggregate classification (germline): Likely benign (1 of 4 stars; one submission).

Allele frequency attached by ClinVar (database versions not stated): gnomAD 0.00009.

Submission:

GeneDx
Classification: Likely benign. Last evaluated: 2018-04-27. Review status: criteria provided, single submitter. Criteria: GeneDx Variant Classification (06012015). Collection method: clinical testing. Allele origin: germline. Affected: yes.
Comment: This variant is considered likely benign or benign based on one or more of the following criteria: it is a conservative change, it occurs at a poorly conserved position in the protein, it is predicted to be benign by multiple in silico algorithms, and/or has population frequency not consistent with disease.